The following is an entry in ClinVar:

ClinVar aggregate classification (germline): Uncertain significance (1 of 4 stars; one submission).

Allele frequency attached by ClinVar (database versions not stated): gnomAD exomes below 0.00001; TOPMed below 0.00001.
gnomAD v4.1: 1 of 1,614,024 alleles (0.000062%); highest among the groups gnomAD compares: Non-Finnish European, 0.000085%; no homozygotes.

Submission:

Labcorp Genetics (formerly Invitae), Labcorp
Classification: Uncertain significance. Last evaluated: 2023-05-24. Review status: criteria provided, single submitter. Criteria: Invitae Variant Classification Sherloc (09022015). Collection method: clinical testing. Allele origin: germline.
Comment: In summary, the available evidence is currently insufficient to determine the role of this variant in disease. Therefore, it has been classified as a Variant of Uncertain Significance. This sequence change replaces glycine, which is neutral and non-polar, with arginine, which is basic and polar, at codon 524 of the DDX41 protein (p.Gly524Arg). This variant is not present in population databases (gnomAD no frequency). This variant has not been reported in the literature in individuals affected with DDX41-related conditions. An algorithm developed to predict the effect of missense changes on protein structure and function (PolyPhen-2) suggests that this variant is likely to be disruptive.

NM_016222.4(DDX41):c.1570G>A (p.Gly524Arg)

Gene: DDX41 (DEAD-box helicase 41; minus strand). Cytogenetic location: 5q35.3.
Variant type: single nucleotide variant.
Coding change: c.1570G>A on transcript NM_016222.4 (MANE Select); coding-DNA position 1570, G replaced by A.
Protein change: p.Gly524Arg; replaces glycine 524 with arginine.
Molecular consequence: missense variant.
Genome position (GRCh38, 1-based): chr5:177,512,373, C>T on the plus strand (G>A on the coding strand, the complement: DDX41 is on the minus strand). VCF-style: chr5-177512373-C-T. GRCh37 (hg19) VCF-style: chr5-176939374-C-T.
Other names: c.1192G>A, p.Gly398Arg (NM_001321732.2, NM_001321830.2); short protein forms G398R, G524R.
Identifiers: ClinVar variation 2835738 (VCV002835738.3), dbSNP rs1761006621, ClinGen allele CA362372442.